The following is an entry in ClinVar:

NM_015346.4(ZFYVE26):c.5107C>T (p.Gln1703Ter)

Gene: ZFYVE26 (zinc finger FYVE-type containing 26; minus strand). Cytogenetic location: 14q24.1.
Variant type: single nucleotide variant.
Coding change: c.5107C>T on transcript NM_015346.4 (MANE Select); coding-DNA position 5107, C replaced by T.
Protein change: p.Gln1703Ter; replaces glutamine 1703 with a stop codon.
Molecular consequence: nonsense.
Genome position (GRCh38, 1-based): chr14:67,775,974, G>A on the plus strand (C>T on the coding strand, the complement: ZFYVE26 is on the minus strand). VCF-style: chr14-67775974-G-A. GRCh37 (hg19) VCF-style: chr14-68242691-G-A.
Other names: short protein forms Q1703*.
Identifiers: ClinVar variation 4747922 (VCV004747922.1).

ClinVar aggregate classification (germline): Pathogenic (1 of 4 stars; one submission).

Conditions:
Spastic paraplegia. Identifiers: MedGen C0037772, HP:0001258.

gnomAD v4.1: 3 of 1,614,176 alleles (0.00019%); highest among the groups gnomAD compares: Admixed American, 0.005%; no homozygotes.

Submission:

Labcorp Genetics (formerly Invitae), Labcorp
Classification: Pathogenic for Spastic paraplegia. Last evaluated: 2025-07-30. Review status: criteria provided, single submitter. Criteria: Invitae Variant Classification Sherloc (09022015). Collection method: clinical testing. Allele origin: germline.
Comment: This sequence change creates a premature translational stop signal (p.Gln1703*) in the ZFYVE26 gene. It is expected to result in an absent or disrupted protein product. Loss-of-function variants in ZFYVE26 are known to be pathogenic (PMID: 18394578, 19805727). This variant is present in population databases (no rsID available, gnomAD 0.009%). This variant has not been reported in the literature in individuals affected with ZFYVE26-related conditions. For these reasons, this variant has been classified as Pathogenic.

Literature cited by the submitters: PubMed 18394578; PubMed 19805727.